The following is an entry in ClinVar:

NM_025257.3(SLC44A4):c.866C>G (p.Ser289Cys)

Gene: SLC44A4 (solute carrier family 44 member 4; minus strand). Cytogenetic location: 6p21.33.
Variant type: single nucleotide variant.
Coding change: c.866C>G on transcript NM_025257.3 (MANE Select); coding-DNA position 866, C replaced by G.
Protein change: p.Ser289Cys; replaces serine 289 with cysteine.
Molecular consequence: missense variant.
Genome position (GRCh38, 1-based): chr6:31,870,883, G>C on the plus strand (C>G on the coding strand, the complement: SLC44A4 is on the minus strand). VCF-style: chr6-31870883-G-C. GRCh37 (hg19) VCF-style: chr6-31838660-G-C.
Other names: c.740C>G, p.Ser247Cys (NM_001178044.2); c.638C>G, p.Ser213Cys (NM_001178045.2); c.866C>G, p.Ser289Cys (NM_032794.1); c.866C>G (NM_025257.2); short protein forms S247C, S289C, S213C.
Identifiers: ClinVar variation 3023768 (VCV003023768.4), dbSNP rs758238186, ClinGen allele CA3725565.

ClinVar aggregate classification (germline): Uncertain significance. Review status: criteria provided, multiple submitters, no conflicts (2 of 4 stars). 2 submissions from 2 submitters: Uncertain significance (2). Last evaluated 2025-07-27.

Allele frequency attached by ClinVar (database versions not stated): gnomAD exomes 0.00002; TOPMed 0.00003; ExAC 0.00001; gnomAD 0.00001.
gnomAD v4.1: 12 of 1,612,922 alleles (0.00074%); highest among the groups gnomAD compares: Admixed American, 0.02%; no homozygotes.

Submissions (2):

Labcorp Genetics (formerly Invitae), Labcorp
Classification: Uncertain significance. Last evaluated: 2025-07-27. Review status: criteria provided, single submitter. Criteria: Invitae Variant Classification Sherloc (09022015). Collection method: clinical testing. Allele origin: germline.
Comment: This sequence change replaces serine, which is neutral and polar, with cysteine, which is neutral and slightly polar, at codon 289 of the SLC44A4 protein (p.Ser289Cys). This variant is present in population databases (rs758238186, gnomAD 0.02%). This variant has not been reported in the literature in individuals affected with SLC44A4-related conditions. ClinVar contains an entry for this variant (Variation ID: 3023768). Invitae Evidence Modeling of protein sequence and biophysical properties (such as structural, functional, and spatial information, amino acid conservation, physicochemical variation, residue mobility, and thermodynamic stability) has been performed for this missense variant. However, the output from this modeling did not meet the statistical confidence thresholds required to predict the impact of this variant on SLC44A4 protein function. In summary, the available evidence is currently insufficient to determine the role of this variant in disease. Therefore, it has been classified as a Variant of Uncertain Significance.

Ambry Genetics
Classification: Uncertain significance. Last evaluated: 2025-01-16. Review status: criteria provided, single submitter. Criteria: Ambry Variant Classification Scheme 2023. Collection method: clinical testing. Allele origin: germline.